The following is an entry in ClinVar:

ClinVar aggregate classification (germline): Uncertain significance (1 of 4 stars; one submission).

Conditions:
Hereditary cancer-predisposing syndrome. Also called: Neoplastic Syndromes, Hereditary; Hereditary Cancer Syndrome; Tumor predisposition; Hereditary neoplastic syndrome. Identifiers: Orphanet 140162, MedGen C0027672, MeSH D009386, MONDO:0015356.

Submission:

Ambry Genetics
Classification: Uncertain significance for Hereditary cancer-predisposing syndrome. Last evaluated: 2025-02-21. Review status: criteria provided, single submitter. Criteria: Ambry Variant Classification Scheme 2023. Collection method: clinical testing. Allele origin: germline.
Comment: The p.S463T variant (also known as c.1388G>C), located in coding exon 12 of the SUFU gene, results from a G to C substitution at nucleotide position 1388. The serine at codon 463 is replaced by threonine, an amino acid with similar properties. This amino acid position is conserved. In addition, this alteration is predicted to be tolerated by in silico analysis. Based on the available evidence, the clinical significance of this variant remains unclear.

NM_016169.4(SUFU):c.1388G>C (p.Ser463Thr)

Gene: SUFU (SUFU negative regulator of hedgehog signaling; plus strand). Cytogenetic location: 10q24.32.
Variant type: single nucleotide variant.
Coding change: c.1388G>C on transcript NM_016169.4 (MANE Select); coding-DNA position 1388, G replaced by C.
Protein change: p.Ser463Thr; replaces serine 463 with threonine.
Molecular consequence: missense variant.
Genome position (GRCh38, 1-based): chr10:102,630,088, G>C. VCF-style: chr10-102630088-G-C. GRCh37 (hg19) VCF-style: chr10-104389845-G-C.
Other names: short protein forms S463T.
Identifiers: ClinVar variation 3802880 (VCV003802880.1).